The following is an entry in ClinVar:

NM_000498.3(CYP11B2):c.1120C>G (p.Arg374Gly)

Genes: CYP11B2 (cytochrome P450 family 11 subfamily B member 2; minus strand), LOC106799834 (CYP11B2 recombination region; plus strand). Cytogenetic location: 8q24.3.
Variant type: single nucleotide variant.
Coding change: c.1120C>G on transcript NM_000498.3 (MANE Select); coding-DNA position 1120, C replaced by G.
Protein change: p.Arg374Gly; replaces arginine 374 with glycine.
Molecular consequence: missense variant.
Genome position (GRCh38, 1-based): chr8:142,913,286, G>C on the plus strand (C>G on the coding strand, the complement: CYP11B2 is on the minus strand). VCF-style: chr8-142913286-G-C. GRCh37 (hg19) VCF-style: chr8-143994702-G-C.
Other names: short protein forms R374G.
Identifiers: ClinVar variation 2674689 (VCV002674689.1), dbSNP rs4538, ClinGen allele CA372387666.
Genomic context (GRCh38, chr8:142,913,286, plus strand): 5'-GTGGGGGCTGCTCTCCAGCAGGGGGCCAGGGCCACAGGGAGGCCTCAGCCAGCACCCACC[G>C]CAAGGTCTCCTTGAGGGCCGCCCGCAGCAAGGGCAGCTCGGTGGTTGCCTTCTGGGGATG-3'
Protein context (NP_000489.3, residues 364-384): LLRAALKETL[Arg374Gly]LYPVGLFLER

ClinVar aggregate classification (germline): Likely pathogenic (1 of 4 stars; one submission).

Conditions:
CYP11B2-related disorder.

Submission:

Clinical Biochemistry Laboratory, Health Services Laboratory
Classification: Likely pathogenic for CYP11B2-related disorder. Last evaluated: 2023-11-20. Review status: criteria provided, single submitter. Criteria: ACMG Guidelines, 2015. Collection method: clinical testing. Allele origin: germline. Affected: yes.
Comment: ACMG:PM2 PM3 PP1 PP4